The following is an entry in ClinVar:

NM_000368.5(TSC1):c.1139C>G (p.Thr380Ser)

Gene: TSC1 (TSC complex subunit 1; minus strand). Cytogenetic location: 9q34.13.
Variant type: single nucleotide variant.
Coding change: c.1139C>G on transcript NM_000368.5 (MANE Select); coding-DNA position 1139, C replaced by G.
Protein change: p.Thr380Ser; replaces threonine 380 with serine.
Molecular consequence: missense variant.
Genome position (GRCh38, 1-based): chr9:132,911,004, G>C on the plus strand (C>G on the coding strand, the complement: TSC1 is on the minus strand). VCF-style: chr9-132911004-G-C. GRCh37 (hg19) VCF-style: chr9-135786391-G-C.
Other names: c.1139C>G, p.Thr380Ser (NM_001162426.2); c.986C>G, p.Thr329Ser (NM_001162427.2); c.776C>G, p.Thr259Ser (NM_001362177.2); short protein forms T380S, T259S, T329S.
Identifiers: ClinVar variation 423590 (VCV000423590.18), dbSNP rs1064796512, ClinGen allele CA16618776.

ClinVar aggregate classification (germline): Conflicting classifications of pathogenicity. Review status: criteria provided, conflicting classifications (1 of 4 stars). 6 submissions from 6 submitters: Uncertain significance (5); Benign (1). Last evaluated 2024-07-22.

Conditions:
Tuberous sclerosis syndrome (TSC). Also called: Tuberous sclerosis; Tuberous Sclerosis Complex. Identifiers: Orphanet 805, MedGen C0041341, MONDO:0001734.
Isolated focal cortical dysplasia type II (FCORD2). Also called: Focal cortical dysplasia type II; CORTICAL DYSPLASIA OF TAYLOR. Identifiers: Orphanet 268994, MedGen C1846385, MONDO:0011818, OMIM 607341, HP:0032051.
Hereditary cancer-predisposing syndrome. Also called: Hereditary neoplastic syndrome; Hereditary Cancer Syndrome; Neoplastic Syndromes, Hereditary; Tumor predisposition. Identifiers: Orphanet 140162, MedGen C0027672, MeSH D009386, MONDO:0015356.
Tuberous sclerosis 1 (TSC1). Identifiers: Orphanet 805, MedGen C1854465, MONDO:0008612, OMIM 191100.

Allele frequency attached by ClinVar (database versions not stated): gnomAD exomes below 0.00001; gnomAD 0.00001.
gnomAD v4.1: 4 of 1,613,478 alleles (0.00025%); highest among the groups gnomAD compares: African/African-American, 0.0027%; no homozygotes.

Submissions (6):

Labcorp Genetics (formerly Invitae), Labcorp
Classification: Benign for Tuberous sclerosis 1. Last evaluated: 2024-07-22. Review status: criteria provided, single submitter. Criteria: Invitae Variant Classification Sherloc (09022015). Collection method: clinical testing. Allele origin: germline.

Ambry Genetics
Classification: Uncertain significance for Hereditary cancer-predisposing syndrome. Last evaluated: 2024-05-16. Review status: criteria provided, single submitter. Criteria: Ambry Variant Classification Scheme 2023. Collection method: clinical testing. Allele origin: germline.
Comment: The p.T380S variant (also known as c.1139C>G), located in coding exon 9 of the TSC1 gene, results from a C to G substitution at nucleotide position 1139. The threonine at codon 380 is replaced by serine, an amino acid with similar properties. This amino acid position is not well conserved in available vertebrate species. In addition, this alteration is predicted to be tolerated by in silico analysis. Since supporting evidence is limited at this time, the clinical significance of this alteration remains unclear.

All of Us Research Program, National Institutes of Health
Classification: Uncertain significance for Tuberous sclerosis syndrome. Last evaluated: 2024-03-24. Review status: criteria provided, single submitter. Criteria: ACMG Guidelines, 2015. Collection method: clinical testing. Allele origin: germline. Inheritance: Autosomal dominant inheritance. Observed: 1 variant allele, 1 heterozygote.
Comment: This missense variant replaces threonine with serine at codon 380 of the TSC1 protein. Computational prediction suggests that this variant may not impact protein structure and function (internally defined REVEL score threshold <= 0.5, PMID: 27666373). To our knowledge, functional studies have not been reported for this variant. This variant has not been reported in individuals affected with hereditary cancer in the literature. This variant has not been identified in the general population by the Genome Aggregation Database (gnomAD). The available evidence is insufficient to determine the role of this variant in disease conclusively. Therefore, this variant is classified as a Variant of Uncertain Significance.

This study involves interpretation of variants in research participants for the purpose of population health screening. Participant phenotype was not available at the time of variant classification. Additional details can be found in publication PMID: 35346344, PMCID: PMC8962531

Baylor Genetics
Classification: Uncertain significance for Isolated focal cortical dysplasia type II. Last evaluated: 2024-01-26. Review status: criteria provided, single submitter. Criteria: ACMG Guidelines, 2015. Collection method: clinical testing. Allele origin: unknown.

Genome-Nilou Lab
Classification: Uncertain significance for Tuberous sclerosis 1. Last evaluated: 2021-11-07. Review status: criteria provided, single submitter. Criteria: ACMG Guidelines, 2015. Collection method: clinical testing. Allele origin: germline. Affected: no.

GeneDx
Classification: Uncertain significance. Last evaluated: 2021-01-05. Review status: criteria provided, single submitter. Criteria: GeneDx Variant Classification Process June 2021. Collection method: clinical testing. Allele origin: germline. Affected: yes.
Comment: Not observed in large population cohorts (Lek et al., 2016); In silico analysis supports that this missense variant does not alter protein structure/function; Has not been previously published as pathogenic or benign to our knowledge